The following is an entry in ClinVar:

ClinVar aggregate classification (germline): Pathogenic. Review status: criteria provided, multiple submitters, no conflicts (2 of 4 stars). 2 submissions from 2 submitters: Pathogenic (2). Last evaluated 2024-10-23.

gnomAD v4.1: 2 of 1,613,996 alleles (0.00012%); highest among the groups gnomAD compares: Non-Finnish European, 0.00017%; no homozygotes.

Submissions (2):

Labcorp Genetics (formerly Invitae), Labcorp
Classification: Pathogenic. Last evaluated: 2024-10-23. Review status: criteria provided, single submitter. Criteria: Invitae Variant Classification Sherloc (09022015). Collection method: clinical testing. Allele origin: germline.
Comment: This sequence change creates a premature translational stop signal (p.Gln1677*) in the ALPK3 gene. It is expected to result in an absent or disrupted protein product. Loss-of-function variants in ALPK3 are known to be pathogenic (PMID: 21441111, 26846950, 27106955, 34263907). This variant is not present in population databases (gnomAD no frequency). This premature translational stop signal has been observed in individual(s) with hypertrophic cardiomyopathy (PMID: 30847666). For these reasons, this variant has been classified as Pathogenic.

GeneDx
Classification: Pathogenic. Last evaluated: 2023-07-05. Review status: criteria provided, single submitter. Criteria: GeneDx Variant Classification Process June 2021. Collection method: clinical testing. Allele origin: germline. Affected: yes.
Comment: Nonsense variant predicted to result in protein truncation or nonsense mediated decay in a gene for which loss of function is a known mechanism of disease; Not observed at significant frequency in large population cohorts (gnomAD); Identified in a patient with HCM in published literature who harbored a second cardiogenetic variant (van Lint et al., 2019); This variant is associated with the following publications: (PMID: 30847666)

Literature cited by the submitters: PubMed 21441111 (cited by Labcorp Genetics (formerly Invitae), Labcorp); PubMed 26846950 (cited by Labcorp Genetics (formerly Invitae), Labcorp); PubMed 27106955 (cited by Labcorp Genetics (formerly Invitae), Labcorp); PubMed 34263907 (cited by Labcorp Genetics (formerly Invitae), Labcorp); PubMed 30847666 (cited by Labcorp Genetics (formerly Invitae), Labcorp).

NM_020778.5(ALPK3):c.4423C>T (p.Gln1475Ter)

Gene: ALPK3 (alpha kinase 3; plus strand). Cytogenetic location: 15q25.3.
Variant type: single nucleotide variant.
Coding change: c.4423C>T on transcript NM_020778.5 (MANE Select); coding-DNA position 4423, C replaced by T.
Protein change: p.Gln1475Ter; replaces glutamine 1475 with a stop codon.
Molecular consequence: nonsense.
Genome position (GRCh38, 1-based): chr15:84,863,564, C>T. VCF-style: chr15-84863564-C-T. GRCh37 (hg19) VCF-style: chr15-85406795-C-T.
Other names: short protein forms Q1475*.
Identifiers: ClinVar variation 3340904 (VCV003340904.3).